The following is an entry in ClinVar:

ClinVar aggregate classification (germline): Uncertain significance (1 of 4 stars; one submission).

Submission:

Labcorp Genetics (formerly Invitae), Labcorp
Classification: Uncertain significance. Last evaluated: 2023-01-17. Review status: criteria provided, single submitter. Criteria: Invitae Variant Classification Sherloc (09022015). Collection method: clinical testing. Allele origin: unknown.
Comment: In summary, the available evidence is currently insufficient to determine the role of this variant in disease. Therefore, it has been classified as a Variant of Uncertain Significance. This variant has not been reported in the literature in individuals affected with ABRAXAS1-related conditions. A gross deletion of the genomic region encompassing the full coding sequence of the ABRAXAS1 gene has been identified. The current clinical and genetic evidence is not sufficient to establish whether loss-of-function variants in ABRAXAS1 cause disease. The boundaries of this event are unknown as they extend beyond the assayed region for this gene and therefore may encompass additional genes.

NC_000004.11:g.(?_84383622)_(84406225_?)del

Gene: ABRAXAS1 (abraxas 1, BRCA1 A complex subunit; minus strand). Cytogenetic location: 4q21.23.
Variant type: Deletion.
Identifiers: ClinVar variation 3246776 (VCV003246776.1).